The following is an entry in ClinVar:

ClinVar aggregate classification (germline): Conflicting classifications of pathogenicity. Review status: criteria provided, conflicting classifications (1 of 4 stars). 6 submissions from 6 submitters: Uncertain significance (3); Likely benign (3). Last evaluated 2024-10-23.

Conditions:
Ectopia lentis 1, isolated, autosomal dominant (ECTOL1). Identifiers: Orphanet 1885, MedGen C3541518, MONDO:0007514, OMIM 129600.
Marfan syndrome (MFS). Also called: MARFAN SYNDROME, TYPE I; FBN1-Related Marfan Syndrome; Marfan syndrome, classic; Marfan syndrome type 1; Marfan's syndrome. Identifiers: Orphanet 284963, Orphanet 558, MedGen C0024796, MONDO:0007947, OMIM 154700.
Acromicric dysplasia (ACMICD). Also called: Acromicric skeletal dysplasia. Identifiers: Orphanet 969, MedGen C0265287, MONDO:0007055, OMIM 102370.
Geleophysic dysplasia 2 (GPHYSD2). Identifiers: Orphanet 2623, MedGen C3280054, MONDO:0013612, OMIM 614185.
MASS syndrome (OCTD). Also called: OVERLAP CONNECTIVE TISSUE DISEASE; MASS PHENOTYPE. Identifiers: MedGen C1858556, MONDO:0011431, OMIM 604308.
Stiff skin syndrome (SSKS). Identifiers: Orphanet 2833, MedGen C1861456, MONDO:0008492, OMIM 184900.
Weill-Marchesani syndrome 2, dominant. Also called: FBN1-Related Weill-Marchesani Syndrome; Weill-Marchesani Syndrome, Autosomal Dominant. Identifiers: Orphanet 2084, MedGen C1869115, MONDO:0012013, OMIM 608328.
Progeroid and marfanoid aspect-lipodystrophy syndrome. Also called: MARFANOID-PROGEROID-LIPODYSTROPHY SYNDROME; MARFANOID-PROGEROID SYNDROME; MARFAN-PROGEROID-LIPODYSTROPHY SYNDROME; Marfan lipodystrophy syndrome. Identifiers: Orphanet 300382, MedGen C4310796, MONDO:0014831, OMIM 616914.
Familial thoracic aortic aneurysm and aortic dissection (TAAD). Also called: Thoracic aortic aneurysms and dissections. Identifiers: Orphanet 91387, MedGen C4707243, MONDO:0019625.

Allele frequency attached by ClinVar (database versions not stated): gnomAD 0.00001; gnomAD exomes 0.00004; ExAC 0.00007; TOPMed 0.00001.
gnomAD v4.1: 23 of 1,613,154 alleles (0.0014%); highest among the groups gnomAD compares: Non-Finnish European, 0.0018%; no homozygotes.

Submissions (6):

Labcorp Genetics (formerly Invitae), Labcorp
Classification: Likely benign for Marfan syndrome; Familial thoracic aortic aneurysm and aortic dissection. Last evaluated: 2024-10-23. Review status: criteria provided, single submitter. Criteria: Invitae Variant Classification Sherloc (09022015). Collection method: clinical testing. Allele origin: germline.

All of Us Research Program, National Institutes of Health
Classification: Likely benign for Marfan syndrome. Last evaluated: 2024-05-14. Review status: criteria provided, single submitter. Criteria: ACMG Guidelines, 2015. Collection method: clinical testing. Allele origin: germline. Inheritance: Autosomal dominant inheritance. Observed: 2 variant alleles, 2 heterozygotes.
Comment: This study involves interpretation of variants in research participants for the purpose of population health screening. Participant phenotype was not available at the time of variant classification. Additional details can be found in publication PMID: 35346344, PMCID: PMC8962531

Color Diagnostics, LLC DBA Color Health
Classification: Likely benign for Familial thoracic aortic aneurysm and aortic dissection. Last evaluated: 2024-04-23. Review status: criteria provided, single submitter. Criteria: ACMG Guidelines, 2015. Collection method: clinical testing. Allele origin: germline.

Ambry Genetics
Classification: Uncertain significance for Familial thoracic aortic aneurysm and aortic dissection. Last evaluated: 2024-02-01. Review status: criteria provided, single submitter. Criteria: Ambry Variant Classification Scheme 2023. Collection method: clinical testing. Allele origin: germline.
Comment: The p.H118R variant (also known as c.353A>G), located in coding exon 4 of the FBN1 gene, results from an A to G substitution at nucleotide position 353. The histidine at codon 118 is replaced by arginine, an amino acid with highly similar properties. This amino acid position is well conserved in available vertebrate species. In addition, the in silico prediction for this alteration is inconclusive. Based on the available evidence, the clinical significance of this alteration remains unclear.

Fulgent Genetics
Classification: Uncertain significance for Acromicric dysplasia; Ectopia lentis 1, isolated, autosomal dominant; Marfan syndrome; Stiff skin syndrome; MASS syndrome; Weill-Marchesani syndrome 2, dominant; Geleophysic dysplasia 2; Progeroid and marfanoid aspect-lipodystrophy syndrome. Last evaluated: 2021-10-17. Review status: criteria provided, single submitter. Criteria: ACMG Guidelines, 2015. Collection method: clinical testing. Allele origin: unknown.

GeneDx
Classification: Uncertain significance. Last evaluated: 2014-01-11. Review status: criteria provided, single submitter. Criteria: GeneDx Variant Classification (06012015). Collection method: clinical testing. Allele origin: germline. Affected: yes.
Comment: p.His118Arg (CAC>CGC): c.353 A>G in exon 5 of the FBN1 gene (NM_000138.4)The H118R variant in the FBN1 gene has not been reported as a disease-causing mutation or as a benign polymorphism to our knowledge. The H118R variant is a conservative amino acid substitution as these residues share similar properties, and are least likely to impact secondary structure. The H118 residue is conserved in mammals, and in silico analysis predicts H118R is benign to the protein structure/function. However, mutations in nearby residues (S115C, R122C) have been reported in association with Marfan syndrome, supporting the functional importance of this region of the protein. In addition, the H118R variant was not observed in approximately 6,500 individuals of European and African American ancestry in the NHLBI Exome Sequencing Project, indicating it is not a common benign variant in these populations.With the clinical and molecular information available at this time, we cannot definitively determine if H118R is a disease-causing mutation or a rare benign variant. The variant is found in TAAD panel(s).

NM_000138.5(FBN1):c.353A>G (p.His118Arg)

Gene: FBN1 (fibrillin 1; minus strand). Cytogenetic location: 15q21.1.
Variant type: single nucleotide variant.
Coding change: c.353A>G on transcript NM_000138.5 (MANE Select); coding-DNA position 353, A replaced by G.
Protein change: p.His118Arg; replaces histidine 118 with arginine.
Molecular consequence: missense variant.
Genome position (GRCh38, 1-based): chr15:48,600,228, T>C on the plus strand (A>G on the coding strand, the complement: FBN1 is on the minus strand). VCF-style: chr15-48600228-T-C. GRCh37 (hg19) VCF-style: chr15-48892425-T-C.
Other names: p.H118R:CAC>CGC; short protein forms H118R.
Identifiers: ClinVar variation 200144 (VCV000200144.21), dbSNP rs765503809, ClinGen allele CA014253.
Genomic context (GRCh38, chr15:48,600,228, plus strand): 5'-TTCTGGCATAGACAGTGATCGTCACTGCAGCTACCTCCATTCATACAGCGAATATTGCAG[T>C]GTTGTACTTGAAAAAAAAGAAGAAGAATTCACTTTTGCAACTTAAATGCATAGATTGCAA-3'
Protein context (NP_000129.3, residues 108-128): APSCGSRSIQ[His118Arg]CNIRCMNGGS